The following is an entry in ClinVar:

ClinVar aggregate classification (germline): Uncertain significance (1 of 4 stars; one submission).

Conditions:
Epidermodysplasia verruciformis, susceptibility to, 1. Identifiers: Orphanet 302, MedGen C4722564, MONDO:0100045, OMIM 226400.

Submission:

Labcorp Genetics (formerly Invitae), Labcorp
Classification: Uncertain significance for Epidermodysplasia Verruciformis. Last evaluated: 2018-09-21. Review status: criteria provided, single submitter. Criteria: Invitae Variant Classification Sherloc (09022015). Collection method: clinical testing. Allele origin: germline.
Comment: This sequence change replaces lysine with glutamic acid at codon 577 of the TMC6 protein (p.Lys577Glu). TheÂ¬â€ lysineÂ¬â€ residue is moderately conserved and there is a small physicochemical difference betweenÂ¬â€ lysineÂ¬â€ andÂ¬â€ glutamic acid. This variant is not present in population databases (ExAC no frequency). This variant has not been reported in the literature in individuals with TMC6-related disease. Algorithms developed to predict the effect of missense changes on protein structure and function are either unavailable or do not agree on the potential impact of this missense change (SIFT: "Tolerated"; PolyPhen-2: "Possibly Damaging"; Align-GVGD: "Class C0"). In summary, the available evidence is currently insufficient to determine the role of this variant in disease. Therefore, it has been classified as a Variant of Uncertain Significance.

NM_001127198.5(TMC6):c.1729A>G (p.Lys577Glu)

Gene: TMC6 (transmembrane channel like 6; minus strand). Cytogenetic location: 17q25.3.
Variant type: single nucleotide variant.
Coding change: c.1729A>G on transcript NM_001127198.5 (MANE Select); coding-DNA position 1729, A replaced by G.
Protein change: p.Lys577Glu; replaces lysine 577 with glutamic acid.
Molecular consequence: missense variant. On other transcripts: non-coding transcript variant (4).
Genome position (GRCh38, 1-based): chr17:78,119,379, T>C on the plus strand (A>G on the coding strand, the complement: TMC6 is on the minus strand). VCF-style: chr17-78119379-T-C. GRCh37 (hg19) VCF-style: chr17-76115460-T-C.
Other names: c.1729A>G, p.Lys577Glu (NM_001321185.1, NM_001374596.1, NM_001375353.1 and 2 more transcripts); c.1549A>G, p.Lys517Glu (NM_001374593.1, NM_001374594.1); short protein forms K577E, K517E.
Identifiers: ClinVar variation 654892 (VCV000654892.1), dbSNP rs1598844172, ClinGen allele CA401226569.